The following is an entry in ClinVar:

NM_001374828.1(ARID1B):c.1841T>C (p.Met614Thr)

Gene: ARID1B (AT-rich interaction domain 1B; plus strand). Cytogenetic location: 6q25.3.
Variant type: single nucleotide variant.
Coding change: c.1841T>C on transcript NM_001374828.1 (MANE Select); coding-DNA position 1841, T replaced by C.
Protein change: p.Met614Thr; replaces methionine 614 with threonine.
Molecular consequence: missense variant.
Genome position (GRCh38, 1-based): chr6:156,829,276, T>C. VCF-style: chr6-156829276-T-C. GRCh37 (hg19) VCF-style: chr6-157150410-T-C.
Other names: c.1592T>C, p.Met531Thr (NM_020732.3); c.1841T>C, p.Met614Thr (NM_001371656.1, NM_001374820.1, NM_017519.3); short protein forms M531T, M614T.
Identifiers: ClinVar variation 210269 (VCV000210269.40), dbSNP rs141260832, ClinGen allele CA208840.

ClinVar aggregate classification (germline): Benign/Likely benign. Review status: criteria provided, multiple submitters, no conflicts (2 of 4 stars). 5 submissions from 5 submitters: Benign (1); Likely benign (4). Last evaluated 2026-05-01.

Conditions:
Inborn genetic diseases. Identifiers: MedGen C0950123, MeSH D030342.

Allele frequency attached by ClinVar (database versions not stated): ExAC 0.00007; gnomAD 0.00007 and 0.00008; gnomAD exomes 0.00008 and 0.00016; TOPMed 0.00008; ESP Exome Variant Server 0.00015.
gnomAD v4.1: 247 of 1,614,106 alleles (0.015%); highest among the groups gnomAD compares: Non-Finnish European, 0.019%; no homozygotes.

Submissions (5):

CeGaT Center for Human Genetics Tuebingen
Classification: Likely benign. Last evaluated: 2026-05-01. Review status: criteria provided, single submitter. Criteria: CeGaT Center For Human Genetics Tuebingen Variant Classification Criteria Version 2. Collection method: clinical testing. Allele origin: germline. Affected: yes. Observed: 2 variant alleles.
Comment: ARID1B: BS2

Labcorp Genetics (formerly Invitae), Labcorp
Classification: Likely benign. Last evaluated: 2025-11-10. Review status: criteria provided, single submitter. Criteria: Invitae Variant Classification Sherloc (09022015). Collection method: clinical testing. Allele origin: germline.

GeneDx
Classification: Likely benign. Last evaluated: 2020-06-08. Review status: criteria provided, single submitter. Criteria: GeneDx Variant Classification Process June 2021. Collection method: clinical testing. Allele origin: germline. Affected: yes.
Comment: This variant is associated with the following publications: (PMID: 22405089)

Ambry Genetics
Classification: Benign for Inborn genetic diseases. Last evaluated: 2018-09-07. Review status: criteria provided, single submitter. Criteria: Ambry Variant Classification Scheme 2023. Collection method: clinical testing. Allele origin: germline.

Genetic Services Laboratory, University of Chicago
Classification: Likely benign. Last evaluated: 2014-08-26. Review status: criteria provided, single submitter. Criteria: ACMG Guidelines, 2015. Collection method: clinical testing. Allele origin: germline.